The following is an entry in ClinVar:

ClinVar aggregate classification (germline): Conflicting classifications of pathogenicity. Review status: criteria provided, conflicting classifications (1 of 4 stars). 4 submissions from 4 submitters: Likely pathogenic (3); Uncertain significance (1). Last evaluated 2024-05-15.

Conditions:
Wilson disease (WND). Also called: Wilson's disease. Identifiers: Orphanet 905, MedGen C0019202, MONDO:0010200, OMIM 277900. Disease mechanism: loss of function.

Submissions (4):

Natera, Inc.
Classification: Likely pathogenic for Wilson disease. Last evaluated: 2024-05-15. Review status: criteria provided, single submitter. Criteria: Natera Variant Classification Schema (03/2026). Collection method: clinical testing. Allele origin: germline.
Comment: The c.2447+5G>T variant in ATP7B is an intronic variant located outside the canonical splice sites. This variant is rare in the general population with a frequency below the threshold expected for the associated phenotype(s). This variant has been observed in one or more individuals affected with the associated recessive disease, as either homozygous or compound heterozygous with a second variant (PMID: 24661374, 19371217). Additionally, this variant has been observed to segregate in affected family members (PMID: 24661374). Functional studies show that this variant may disrupt protein function (PMID: 19371217). Computational prediction algorithms indicate this variant is likely to affect gene or protein function. Given the available evidence, this variant is classified as Likely Pathogenic.

Chongqing Key Laboratory of Child Rare Diseases in Infection and Immunity, Children’s Hospital of Chongqing Medical University
Classification: Uncertain significance for Wilson disease. Last evaluated: 2024-01-01. Review status: criteria provided, single submitter. Criteria: ACMG Guidelines, 2015. Collection method: clinical testing. Allele origin: germline. Inheritance: Autosomal recessive inheritance. Affected: yes.
Comment: Classified as Uncertain significance according to the ACMG/AMP 2015 guidelines (PMID:25741868). The classification was based on the available submitted evidence for Wilson disease (OMIM:277900), including clinical-testing observations, variant consequence/protein annotation, and published or ClinVar evidence where available. Supporting information considered: variant annotation: Splicing; submitted notation: NM_000053.4:c.2447+5G>T; source variant type: Splicing; source domain: NA; allele count n=230: 2.

Baylor Genetics
Classification: Likely pathogenic for Wilson disease. Last evaluated: 2023-04-06. Review status: criteria provided, single submitter. Criteria: ACMG Guidelines, 2015. Collection method: clinical testing. Allele origin: unknown.

Juno Genomics, Hangzhou Juno Genomics, Inc
Classification: Likely pathogenic for Wilson disease. Review status: criteria provided, single submitter. Criteria: ACMG Guidelines, 2015. Collection method: clinical testing. Allele origin: germline.
Comment: Absent from controls (or at extremely low frequency if recessive) in Genome Aggregation Database.;Multiple lines of computational evidence support a deleterious effect on the gene or gene product.;For recessive disorders, detected in trans with a pathogenic variant.;Patient's phenotype or family history is highly specific for a disease with a single genetic etiology.

Literature cited by the submitters: PubMed 24661374 (cited by Natera, Inc.); PubMed 19371217 (cited by Natera, Inc.).

NM_000053.4(ATP7B):c.2447+5G>T

Gene: ATP7B (ATPase copper transporting beta; minus strand). Cytogenetic location: 13q14.3.
Variant type: single nucleotide variant.
Coding change: c.2447+5G>T on transcript NM_000053.4 (MANE Select); 5 bases into the intron after coding-DNA position 2447, G replaced by T.
Molecular consequence: intron variant.
Genome position (GRCh38, 1-based): chr13:51,957,511, C>A on the plus strand (G>T on the coding strand, the complement: ATP7B is on the minus strand). VCF-style: chr13-51957511-C-A. GRCh37 (hg19) VCF-style: chr13-52531647-C-A.
Other names: c.2447+5G>T (NM_000053.3, NM_001406513.1, NM_001406511.1 and 8 more transcripts); c.1961+5G>T (NM_001406541.1, NM_001005918.3, NM_001406546.1 and 1 more transcripts); c.2195+5G>T (NM_001406531.1, NM_001406532.1, NM_001406540.1 and 1 more transcripts); c.2213+5G>T (NM_001406527.1, NM_001406528.1, NM_001406534.1 and 2 more transcripts); c.2303+5G>T (NM_001406537.1, NM_001406521.1, NM_001406522.1 and 1 more transcripts); c.2099+5G>T (NM_001406543.1); c.2114+5G>T (NM_001243182.2); c.1286-7350G>T (NM_001406548.1); and 8 more.
Identifiers: ClinVar variation 2679810 (VCV002679810.5), dbSNP rs1369012080, ClinGen allele CA2695199744.
Genomic context (GRCh38, chr13:51,957,511, plus strand): 5'-ATCTGATGCAGCTCACACAGATTGATAGATACCAACCACAAAGACATTTGATAACCATAA[C>A]TCACCTGATGATTAAATTGTCCTCACCAAGGGTCACAACGGTGGCTTCTGTGGCTTGGAG-3'